The following is an entry in ClinVar:

NM_004369.4(COL6A3):c.4286-5T>A

Gene: COL6A3 (collagen type VI alpha 3 chain; minus strand). Cytogenetic location: 2q37.3.
Variant type: single nucleotide variant.
Coding change: c.4286-5T>A on transcript NM_004369.4 (MANE Select); 5 bases into the intron before coding-DNA position 4286, T replaced by A.
Molecular consequence: intron variant.
Genome position (GRCh38, 1-based): chr2:237,369,182, A>T on the plus strand (T>A on the coding strand, the complement: COL6A3 is on the minus strand). VCF-style: chr2-237369182-A-T. GRCh37 (hg19) VCF-style: chr2-238277825-A-T.
Other names: c.2465-5T>A (NM_057166.5); c.3668-5T>A (NM_057167.4).
Identifiers: ClinVar variation 4538354 (VCV004538354.1).

ClinVar aggregate classification (germline): Uncertain significance (1 of 4 stars; one submission).

Submission:

Greenwood Genetic Center Diagnostic Laboratories, Greenwood Genetic Center
Classification: Uncertain significance. Last evaluated: 2025-04-12. Review status: criteria provided, single submitter. Criteria: ACMG Guidelines, 2015. Collection method: clinical testing. Allele origin: germline. Affected: yes.
Comment: PM2, PP3